The following is an entry in ClinVar:

ClinVar aggregate classification (germline): Uncertain significance (1 of 4 stars; one submission).

Conditions:
Inborn genetic diseases. Identifiers: MedGen C0950123, MeSH D030342.

Submission:

Ambry Genetics
Classification: Uncertain significance for Inborn genetic diseases. Last evaluated: 2026-03-03. Review status: criteria provided, single submitter. Criteria: Ambry Variant Classification Scheme 2023. Collection method: clinical testing. Allele origin: germline.
Comment: The p.G166S variant (also known as c.496G>A), located in coding exon 1 of the WT1 gene, results from a G to A substitution at nucleotide position 496. The glycine at codon 166 is replaced by serine, an amino acid with similar properties. This amino acid position is conserved. In addition, the in silico prediction for this alteration is inconclusive. Based on the available evidence, the clinical significance of this variant remains unclear.

NM_024426.6(WT1):c.511G>A (p.Gly171Ser)

Genes: WT1 (WT1 transcription factor; minus strand), LOC107982234 (WT1/WT1-AS bi-directional promoter region; plus strand). Cytogenetic location: 11p13.
Variant type: single nucleotide variant.
Coding change: c.511G>A on transcript NM_024426.6 (MANE Select); coding-DNA position 511, G replaced by A.
Protein change: p.Gly171Ser; replaces glycine 171 with serine.
Molecular consequence: missense variant. On other transcripts: non-coding transcript variant (2).
Genome position (GRCh38, 1-based): chr11:32,434,850, C>T on the plus strand (G>A on the coding strand, the complement: WT1 is on the minus strand). VCF-style: chr11-32434850-C-T. GRCh37 (hg19) VCF-style: chr11-32456396-C-T.
Other names: c.511G>A, p.Gly171Ser (NM_000378.6, NM_001407044.1, NM_001407045.1 and 6 more transcripts); c.292G>A, p.Gly98Ser (NM_001429031.1, NM_001429032.1, NM_001429033.1 and 1 more transcripts); short protein forms G171S, G166S, G98S.
Identifiers: ClinVar variation 4827518 (VCV004827518.1).
Genomic context (GRCh38, chr11:32,434,850, plus strand): 5'-TGGGCGGAGGAGGACCGAAGGGCCCGTAGCGACAGGCTCCGGCTGTGCCAGTGAACTGGC[C>T]GGAAAAGTGGACAGTGAAGGCGCTCAGGCACTGCTCCTCGTGCGGCTCCGCGCCGCCCCA-3'
Protein context (NP_077744.4, residues 161-181): CLSAFTVHFS[Gly171Ser]QFTGTAGACR